The following is an entry in ClinVar:

ClinVar aggregate classification (germline): Uncertain significance (1 of 4 stars; one submission).

gnomAD v4.1: 80 of 1,613,972 alleles (0.005%); highest among the groups gnomAD compares: Non-Finnish European, 0.0064%; no homozygotes.

Submissions (2):

Labcorp Genetics (formerly Invitae), Labcorp
Classification: Uncertain significance. Last evaluated: 2024-08-20. Review status: criteria provided, single submitter. Criteria: Invitae Variant Classification Sherloc (09022015). Collection method: clinical testing. Allele origin: germline.
Comment: This sequence change falls in intron 10 of the MTMR14 gene. It does not directly change the encoded amino acid sequence of the MTMR14 protein. It affects a nucleotide within the consensus splice site. The frequency data for this variant in the population databases is considered unreliable, as metrics indicate poor data quality at this position in the gnomAD database. This variant has not been reported in the literature in individuals affected with MTMR14-related conditions. Variants that disrupt the consensus splice site are a relatively common cause of aberrant splicing (PMID: 17576681, 9536098). Algorithms developed to predict the effect of sequence changes on RNA splicing suggest that this variant may disrupt the consensus splice site. In summary, the available evidence is currently insufficient to determine the role of this variant in disease. Therefore, it has been classified as a Variant of Uncertain Significance.

Dr. Peter K. Rogan Lab, Western University
No classification provided (evidence only). Condition: Uveal melanoma. Review status: no classification provided. Collection method: in vitro. Allele origin: not applicable. Functional consequence: retained intron. Not counted in ClinVar's aggregate classification.

Literature cited by the submitters: PubMed 17576681 (cited by Labcorp Genetics (formerly Invitae), Labcorp); PubMed 9536098 (cited by Labcorp Genetics (formerly Invitae), Labcorp).

NM_001077525.3(MTMR14):c.964+5G>A

Gene: MTMR14 (myotubularin related protein 14; plus strand). Cytogenetic location: 3p25.3.
Variant type: single nucleotide variant.
Coding change: c.964+5G>A on transcript NM_001077525.3 (MANE Select); 5 bases into the intron after coding-DNA position 964, G replaced by A.
Molecular consequence: intron variant.
Genome position (GRCh38, 1-based): chr3:9,683,249, G>A. VCF-style: chr3-9683249-G-A. GRCh37 (hg19) VCF-style: chr3-9724933-G-A.
Other names: c.889+5G>A (NM_001400523.1, NM_001400528.1, NM_001400520.1); c.103+5G>A (NM_001400547.1, NM_001400548.1, NM_001400544.1 and 1 more transcripts); c.961+5G>A (NM_001400519.1, NM_001400522.1); c.322+5G>A (NM_001400534.1, NM_001400541.1, NM_001400546.1 and 7 more transcripts); c.247+5G>A (NM_001400538.1, NM_001400549.1); c.1033+5G>A (NM_001400518.1, NM_001400521.1); c.958+5G>A (NM_001400526.1); c.964+5G>A (NM_001077526.3, NM_022485.5); and 5 more.
Identifiers: ClinVar variation 3695149 (VCV003695149.3).